The following is an entry in ClinVar:

ClinVar aggregate classification (germline): Uncertain significance. Review status: criteria provided, multiple submitters, no conflicts (2 of 4 stars). 2 submissions from 2 submitters: Uncertain significance (2). Last evaluated 2024-11-16.

Conditions:
Hereditary cancer-predisposing syndrome. Also called: Neoplastic Syndromes, Hereditary; Tumor predisposition; Hereditary neoplastic syndrome; Hereditary Cancer Syndrome. Identifiers: Orphanet 140162, MedGen C0027672, MeSH D009386, MONDO:0015356.
Familial adenomatous polyposis 1 (FAP1). Also called: FAMILIAL ADENOMATOUS POLYPOSIS 1, ATTENUATED; POLYPOSIS, ADENOMATOUS INTESTINAL. Identifiers: MedGen C2713442, MONDO:0021056, OMIM 175100. Disease mechanism: loss of function.

Allele frequency attached by ClinVar (database versions not stated): gnomAD exomes below 0.00001.
gnomAD v4.1: 3 of 1,614,042 alleles (0.00019%); highest among the groups gnomAD compares: Non-Finnish European, 0.00025%; no homozygotes.

Submissions (2):

Ambry Genetics
Classification: Uncertain significance for Hereditary cancer-predisposing syndrome. Last evaluated: 2024-11-16. Review status: criteria provided, single submitter. Criteria: Ambry Variant Classification Scheme 2023. Collection method: clinical testing. Allele origin: germline.
Comment: The p.I1723T variant (also known as c.5168T>C), located in coding exon 15 of the APC gene, results from a T to C substitution at nucleotide position 5168. The isoleucine at codon 1723 is replaced by threonine, an amino acid with similar properties. This amino acid position is conserved. In addition, in silico predictors for this gene do not accurately predict pathogenicity. Based on the available evidence, the clinical significance of this variant remains unclear.

Labcorp Genetics (formerly Invitae), Labcorp
Classification: Uncertain significance for Familial adenomatous polyposis 1. Last evaluated: 2023-10-19. Review status: criteria provided, single submitter. Criteria: Invitae Variant Classification Sherloc (09022015). Collection method: clinical testing. Allele origin: germline.
Comment: This sequence change replaces isoleucine, which is neutral and non-polar, with threonine, which is neutral and polar, at codon 1723 of the APC protein (p.Ile1723Thr). This variant is present in population databases (no rsID available, gnomAD 0.007%). This variant has not been reported in the literature in individuals affected with APC-related conditions. ClinVar contains an entry for this variant (Variation ID: 1356373). Advanced modeling of protein sequence and biophysical properties (such as structural, functional, and spatial information, amino acid conservation, physicochemical variation, residue mobility, and thermodynamic stability) performed at Invitae indicates that this missense variant is not expected to disrupt APC protein function. In summary, the available evidence is currently insufficient to determine the role of this variant in disease. Therefore, it has been classified as a Variant of Uncertain Significance.

NM_000038.6(APC):c.5168T>C (p.Ile1723Thr)

Gene: APC (APC regulator of Wnt signaling pathway; plus strand). Cytogenetic location: 5q22.2.
Variant type: single nucleotide variant.
Coding change: c.5168T>C on transcript NM_000038.6 (MANE Select); coding-DNA position 5168, T replaced by C.
Protein change: p.Ile1723Thr; replaces isoleucine 1723 with threonine.
Molecular consequence: missense variant.
Genome position (GRCh38, 1-based): chr5:112,840,762, T>C. VCF-style: chr5-112840762-T-C. GRCh37 (hg19) VCF-style: chr5-112176459-T-C.
Other names: c.5168T>C (NM_000038.5); c.5168T>C, p.Ile1723Thr (NM_001127510.3, NM_001354895.2); c.5114T>C, p.Ile1705Thr (NM_001127511.3); c.5222T>C, p.Ile1741Thr (NM_001354896.2); c.5198T>C, p.Ile1733Thr (NM_001354897.2); c.5093T>C, p.Ile1698Thr (NM_001354898.2); c.5084T>C, p.Ile1695Thr (NM_001354899.2); c.5045T>C, p.Ile1682Thr (NM_001354900.2); and 6 more; short protein forms I1622T, I1632T, I1664T, I1695T, I1563T, I1741T, I1440T, I1597T.
Identifiers: ClinVar variation 1356373 (VCV001356373.9), dbSNP rs1308242882, ClinGen allele CA16032629.
Genomic context (GRCh38, chr5:112,840,762, plus strand): 5'-GAAAAACCTCATCTGTAACCATACCTGAATTGGATGACAATAAAGCAGAGGAAGGTGATA[T>C]TCTTGCAGAATGCATTAATTCTGCTATGCCCAAAGGGAAAAGTCACAAGCCTTTCCGTGT-3'
Protein context (NP_000029.2, residues 1713-1733): LDDNKAEEGD[Ile1723Thr]LAECINSAMP